The following is an entry in ClinVar:

ClinVar aggregate classification (germline): Benign/Likely benign. Review status: criteria provided, multiple submitters, no conflicts (2 of 4 stars). 4 submissions from 4 submitters: Benign (2); Likely benign (2). Last evaluated 2026-07-01.

Conditions:
Autosomal recessive spinocerebellar ataxia 2. Also called: CEREBELLAR GRANULAR CELL HYPOPLASIA AND MENTAL RETARDATION, CONGENITAL; CEREBELLAR HYPOPLASIA, NONPROGRESSIVE NORMAN TYPE; CEREBELLOPARENCHYMAL DISORDER III; CPD III. Identifiers: Orphanet 1170, MedGen C1859298, MONDO:0008943, OMIM 213200.

Allele frequency attached by ClinVar (database versions not stated): ESP Exome Variant Server 0.00023; gnomAD exomes 0.00045 and 0.00152; gnomAD 0.00062 and 0.00075; TOPMed 0.00091; ExAC 0.00160; 1000 Genomes Project 0.00319.
gnomAD v4.1: 829 of 1,560,010 alleles (0.053%); highest among the groups gnomAD compares: East Asian, 1.5%; 5 homozygotes.

Submissions (4):

CeGaT Center for Human Genetics Tuebingen
Classification: Likely benign. Last evaluated: 2026-07-01. Review status: criteria provided, single submitter. Criteria: CeGaT Center For Human Genetics Tuebingen Variant Classification Criteria Version 2. Collection method: clinical testing. Allele origin: germline. Affected: yes. Observed: 1 variant allele.
Comment: PMPCA: BS1

Labcorp Genetics (formerly Invitae), Labcorp
Classification: Benign. Last evaluated: 2025-10-11. Review status: criteria provided, single submitter. Criteria: Invitae Variant Classification Sherloc (09022015). Collection method: clinical testing. Allele origin: germline.

Fulgent Genetics
Classification: Likely benign for Autosomal recessive spinocerebellar ataxia 2. Last evaluated: 2021-09-29. Review status: criteria provided, single submitter. Criteria: ACMG Guidelines, 2015. Collection method: clinical testing. Allele origin: unknown.

Breakthrough Genomics
Classification: Benign. Review status: criteria provided, single submitter. Criteria: ACMG Guidelines, 2015. Collection method: not provided. Allele origin: germline. Inheritance: Autosomal recessive inheritance. Affected: yes.

NM_015160.3(PMPCA):c.633+17G>A

Genes: PMPCA (peptidase, mitochondrial processing subunit alpha; plus strand), LOC126860792 (CDK7 strongly-dependent group 2 enhancer GRCh37_chr9:139310410-139311609; plus strand). Cytogenetic location: 9q34.3.
Variant type: single nucleotide variant.
Coding change: c.633+17G>A on transcript NM_015160.3 (MANE Select); 17 bases into the intron after coding-DNA position 633, G replaced by A.
Molecular consequence: intron variant.
Genome position (GRCh38, 1-based): chr9:136,416,408, G>A. VCF-style: chr9-136416408-G-A. GRCh37 (hg19) VCF-style: chr9-139310860-G-A.
Other names: c.333+17G>A (NM_001282946.2); c.240+17G>A (NM_001282944.2).
Identifiers: ClinVar variation 1598832 (VCV001598832.11), dbSNP rs142661443, ClinGen allele CA5336064.
Genomic context (GRCh38, chr9:136,416,408, plus strand): 5'-TGCGGCCTGACCCAGAGCCACTTCTCACCGAGATGATTCATGAAGTAAAATGTCAAACTC[G>A]AGAATGCCCCCGCATCTCGAACAGTGGTCCTCGGGACACCAGGGGTGGTGGGGAGGGTGC-3'